The following is an entry in ClinVar:

ClinVar aggregate classification (germline): Uncertain significance (1 of 4 stars; one submission).

Submission:

Labcorp Genetics (formerly Invitae), Labcorp
Classification: Uncertain significance. Last evaluated: 2021-02-23. Review status: criteria provided, single submitter. Criteria: Invitae Variant Classification Sherloc (09022015). Collection method: clinical testing. Allele origin: germline.
Comment: This sequence change replaces leucine with methionine at codon 433 of the USH1G protein (p.Leu433Met). The leucine residue is highly conserved and there is a small physicochemical difference between leucine and methionine. This variant is not present in population databases (ExAC no frequency). This variant has not been reported in the literature in individuals with USH1G-related conditions. In summary, the available evidence is currently insufficient to determine the role of this variant in disease. Therefore, it has been classified as a Variant of Uncertain Significance. Algorithms developed to predict the effect of missense changes on protein structure and function are either unavailable or do not agree on the potential impact of this missense change (SIFT: "Not Available"; PolyPhen-2: "Probably Damaging"; Align-GVGD: "Not Available").

NM_173477.5(USH1G):c.1297C>A (p.Leu433Met)

Genes: USH1G (USH1 protein network component sans; minus strand), LOC130061627 (ATAC-STARR-seq lymphoblastoid active region 12722; plus strand). Cytogenetic location: 17q25.1.
Variant type: single nucleotide variant.
Coding change: c.1297C>A on transcript NM_173477.5 (MANE Select); coding-DNA position 1297, C replaced by A.
Protein change: p.Leu433Met; replaces leucine 433 with methionine.
Molecular consequence: missense variant.
Genome position (GRCh38, 1-based): chr17:74,919,539, G>T on the plus strand (C>A on the coding strand, the complement: USH1G is on the minus strand). VCF-style: chr17-74919539-G-T. GRCh37 (hg19) VCF-style: chr17-72915634-G-T.
Other names: c.988C>A, p.Leu330Met (NM_001282489.3); short protein forms L330M, L433M.
Identifiers: ClinVar variation 1038482 (VCV001038482.7), dbSNP rs777486419, ClinGen allele CA400961260.